The following is an entry in ClinVar:

ClinVar aggregate classification (germline): Conflicting classifications of pathogenicity. Review status: criteria provided, conflicting classifications (1 of 4 stars). 6 submissions from 6 submitters: Uncertain significance (1); Likely benign (2). 3 of the submissions do not count toward it. Last evaluated 2026-09-01.

Conditions:
AVPR2-related disorder. Also called: AVPR2-related condition.
Diabetes insipidus, nephrogenic, X-linked. Also called: Nephrogenic Diabetes Insipidus, Type I. Identifiers: Orphanet 223, MedGen C1563705, MONDO:0010581, OMIM 304800.

Submissions (6):

CeGaT Center for Human Genetics Tuebingen
Classification: Likely benign. Last evaluated: 2026-09-01. Review status: criteria provided, single submitter. Criteria: CeGaT Center For Human Genetics Tuebingen Variant Classification Criteria Version 2. Collection method: clinical testing. Allele origin: germline. Affected: yes. Observed: 3 variant alleles.
Comment: AVPR2: PM4, BS1, BS2

Labcorp Genetics (formerly Invitae), Labcorp
Classification: Likely benign. Last evaluated: 2026-02-02. Review status: criteria provided, single submitter. Criteria: Invitae Variant Classification Sherloc (09022015). Collection method: clinical testing. Allele origin: germline.

Mendelics
Classification: Uncertain significance for Diabetes insipidus, nephrogenic, X-linked. Last evaluated: 2019-05-28. Review status: criteria provided, single submitter. Criteria: Mendelics Assertion Criteria 2017. Collection method: clinical testing. Allele origin: unknown.

PreventionGenetics, part of Exact Sciences
Classification: Likely benign for AVPR2-related condition. Last evaluated: 2020-11-12. Review status: no assertion criteria provided. Collection method: clinical testing. Allele origin: germline. Not counted in ClinVar's aggregate classification.
Comment: This variant is classified as likely benign based on ACMG/AMP sequence variant interpretation guidelines (Richards et al. 2015 PMID: 25741868, with internal and published modifications).

Clinical Genetics DNA and cytogenetics Diagnostics Lab, Erasmus MC, Erasmus Medical Center
Classification: Likely benign. Review status: no assertion criteria provided. Collection method: clinical testing. Allele origin: germline. Affected: yes. Study: VKGL Data-share Consensus. Not counted in ClinVar's aggregate classification.

Diagnostic Laboratory, Department of Genetics, University Medical Center Groningen
Classification: Likely benign. Review status: no assertion criteria provided. Collection method: clinical testing. Allele origin: germline. Affected: yes. Study: VKGL Data-share Consensus. Not counted in ClinVar's aggregate classification.

NM_000054.7(AVPR2):c.744_755del (p.Arg249_Arg252del)

Gene: AVPR2 (arginine vasopressin receptor 2; plus strand). Cytogenetic location: Xq28.
Variant type: Deletion.
Coding change: c.744_755del on transcript NM_000054.7 (MANE Select); coding-DNA positions 744 to 755, 12 bases deleted (CAGGGGACGCCG).
Protein change: p.Arg249_Arg252del.
Molecular consequence: inframe deletion. On other transcripts: non-coding transcript variant (1).
Genome position (GRCh38, 1-based): chrX:153,906,250-153,906,261, CAGGGGACGCCG deleted; deleting any 12 consecutive bases within chrX:153,906,245-153,906,261 gives the same sequence; the c. name uses the placement nearest the transcript's 3' end. VCF-style (leftmost placement, unchanged base first): chrX-153906244-GCGCCGCAGGGGA-G. GRCh37 (hg19) VCF-style: chrX-153171698-GCGCCGCAGGGGA-G.
Other names: c.744_755del12 (NM_000054.4); c.744_755del, p.Arg249_Arg252del (NM_001146151.3).
Identifiers: ClinVar variation 731000 (VCV000731000.34), dbSNP rs782681085, ClinGen allele CA10555054.